The following is an entry in ClinVar:

ClinVar aggregate classification (germline): Uncertain significance (1 of 4 stars; one submission).

Allele frequency attached by ClinVar (database versions not stated): gnomAD exomes 0.00001.
gnomAD v4.1: 7 of 1,609,622 alleles (0.00043%); highest among the groups gnomAD compares: Non-Finnish European, 0.00059%; no homozygotes.

Submission:

Labcorp Genetics (formerly Invitae), Labcorp
Classification: Uncertain significance. Last evaluated: 2022-01-04. Review status: criteria provided, single submitter. Criteria: Invitae Variant Classification Sherloc (09022015). Collection method: clinical testing. Allele origin: germline.
Comment: This sequence change falls in intron 2 of the PPP3CA gene. It does not directly change the encoded amino acid sequence of the PPP3CA protein. In summary, the available evidence is currently insufficient to determine the role of this variant in disease. Therefore, it has been classified as a Variant of Uncertain Significance. Algorithms developed to predict the effect of sequence changes on RNA splicing suggest that this variant may create or strengthen a splice site. This variant has not been reported in the literature in individuals affected with PPP3CA-related conditions. This variant is not present in population databases (gnomAD no frequency).

NM_000944.5(PPP3CA):c.259+17G>T

Gene: PPP3CA (protein phosphatase 3 catalytic subunit alpha; minus strand). Cytogenetic location: 4q24.
Variant type: single nucleotide variant.
Coding change: c.259+17G>T on transcript NM_000944.5 (MANE Select); 17 bases into the intron after coding-DNA position 259, G replaced by T.
Molecular consequence: intron variant.
Genome position (GRCh38, 1-based): chr4:101,195,899, C>A on the plus strand (G>T on the coding strand, the complement: PPP3CA is on the minus strand). VCF-style: chr4-101195899-C-A. GRCh37 (hg19) VCF-style: chr4-102117056-C-A.
Other names: c.259+17G>T (NM_001130692.2, NM_001130691.2).
Identifiers: ClinVar variation 2074472 (VCV002074472.4), dbSNP rs2476119835, ClinGen allele CA2580071237.
Genomic context (GRCh38, chr4:101,195,899, plus strand): 5'-TAACTAGGACTTTTGATTTCATGCTATAAACAACAAAATGTGTATACAAGTGGGCAACCT[C>A]CCTCCTCAGGACTTACCAGTGACTGGCGCATCAATATCCAGCAAATTTTTTTCCTGTCGA-3'